The following is an entry in ClinVar:

ClinVar aggregate classification (germline): Uncertain significance (1 of 4 stars; one submission).

Conditions:
Cholestanol storage disease (CTX). Also called: CEREBRAL CHOLESTERINOSIS; Cerebrotendinous Xanthomatosis; CTX: Cerebrotendinous xanthomatosis. Identifiers: Orphanet 909, MedGen C0238052, MONDO:0008948, OMIM 213700.

Submission:

Labcorp Genetics (formerly Invitae), Labcorp
Classification: Uncertain significance for Cholestanol storage disease. Last evaluated: 2023-10-13. Review status: criteria provided, single submitter. Criteria: Invitae Variant Classification Sherloc (09022015). Collection method: clinical testing. Allele origin: germline.
Comment: This sequence change replaces glutamic acid, which is acidic and polar, with lysine, which is basic and polar, at codon 288 of the CYP27A1 protein (p.Glu288Lys). This variant is not present in population databases (gnomAD no frequency). This variant has not been reported in the literature in individuals affected with CYP27A1-related conditions. ClinVar contains an entry for this variant (Variation ID: 1520594). Advanced modeling of protein sequence and biophysical properties (such as structural, functional, and spatial information, amino acid conservation, physicochemical variation, residue mobility, and thermodynamic stability) performed at Invitae indicates that this missense variant is not expected to disrupt CYP27A1 protein function. In summary, the available evidence is currently insufficient to determine the role of this variant in disease. Therefore, it has been classified as a Variant of Uncertain Significance.

NM_000784.4(CYP27A1):c.862G>A (p.Glu288Lys)

Gene: CYP27A1 (cytochrome P450 family 27 subfamily A member 1; plus strand). Cytogenetic location: 2q35.
Variant type: single nucleotide variant.
Coding change: c.862G>A on transcript NM_000784.4 (MANE Select); coding-DNA position 862, G replaced by A.
Protein change: p.Glu288Lys; replaces glutamic acid 288 with lysine.
Molecular consequence: missense variant.
Genome position (GRCh38, 1-based): chr2:218,812,941, G>A. VCF-style: chr2-218812941-G-A. GRCh37 (hg19) VCF-style: chr2-219677664-G-A.
Other names: short protein forms E288K.
Identifiers: ClinVar variation 1520594 (VCV001520594.6), dbSNP rs2105980394, ClinGen allele CA350588016.